The following is an entry in ClinVar:

NM_000642.3(AGL):c.2905dup (p.Tyr969fs)

Gene: AGL (amylo-alpha-1,6-glucosidase and 4-alpha-glucanotransferase; plus strand). Cytogenetic location: 1p21.2.
Variant type: Duplication.
Coding change: c.2905dup on transcript NM_000642.3 (MANE Select); coding-DNA position 2905, one base duplicated (T; older notation c.2905dupT).
Protein change: p.Tyr969fs; shifts the reading frame from tyrosine 969.
Molecular consequence: frameshift variant.
Genome position (GRCh38, 1-based): chr1:99,891,312, T duplicated. VCF-style (leftmost placement, unchanged base first): chr1-99891311-C-CT. GRCh37 (hg19) VCF-style: chr1-100356867-C-CT.
Other names: c.2905dup, p.Tyr969Leufs (NM_000028.3, NM_000643.3, NM_000644.3 and 1 more transcripts); c.2857dup, p.Tyr953Leufs (NM_000646.3); c.2884dup, p.Tyr962Leufs (NM_001425326.1); c.2704dup, p.Tyr902Leufs (NM_001425327.1); c.2701dup, p.Tyr901Leufs (NM_001425328.1); c.2566dup, p.Tyr856Leufs (NM_001425329.1); c.2527dup, p.Tyr843Leufs (NM_001425332.1); short protein forms Y969fs, Y953fs.
Identifiers: ClinVar variation 835381 (VCV000835381.10), dbSNP rs1652879873, ClinGen allele CA916082078.

ClinVar aggregate classification (germline): Pathogenic/Likely pathogenic. Review status: criteria provided, multiple submitters, no conflicts (2 of 4 stars). 3 submissions from 3 submitters: Pathogenic (2); Likely pathogenic (1). Last evaluated 2026-06-10.

Conditions:
Glycogen storage disease type III (GSD3). Also called: FORBES DISEASE; Cori disease. Identifiers: Orphanet 366, MedGen C0017922, MONDO:0009291, OMIM 232400.

Allele frequency attached by ClinVar (database versions not stated): gnomAD exomes below 0.00001.

Submissions (3):

Greenwood Genetic Center Diagnostic Laboratories, Greenwood Genetic Center
Classification: Pathogenic for Glycogen storage disease type III. Last evaluated: 2026-06-10. Review status: criteria provided, single submitter. Criteria: ACMG Guidelines, 2015. Collection method: clinical testing. Allele origin: germline. Affected: yes.
Comment: PVS1, PM2, PM3_Supporting

Labcorp Genetics (formerly Invitae), Labcorp
Classification: Pathogenic for Glycogen storage disease type III. Last evaluated: 2022-09-27. Review status: criteria provided, single submitter. Criteria: Invitae Variant Classification Sherloc (09022015). Collection method: clinical testing. Allele origin: germline.
Comment: For these reasons, this variant has been classified as Pathogenic. ClinVar contains an entry for this variant (Variation ID: 835381). This premature translational stop signal has been observed in individual(s) with clinical features of glycogen storage disease (PMID: 31508908). This variant is not present in population databases (gnomAD no frequency). This sequence change creates a premature translational stop signal (p.Tyr969Leufs*4) in the AGL gene. It is expected to result in an absent or disrupted protein product. Loss-of-function variants in AGL are known to be pathogenic (PMID: 19299494).

Baylor Genetics
Classification: Likely pathogenic for Glycogen storage disease type III. Last evaluated: 2022-04-27. Review status: criteria provided, single submitter. Criteria: ACMG Guidelines, 2015. Collection method: clinical testing. Allele origin: unknown.

Literature cited by the submitters: PubMed 31508908 (cited by Labcorp Genetics (formerly Invitae), Labcorp); PubMed 19299494 (cited by Labcorp Genetics (formerly Invitae), Labcorp).